The following is an entry in ClinVar:

ClinVar aggregate classification (germline): Uncertain significance (1 of 4 stars; one submission).

Submission:

Ambry Genetics
Classification: Uncertain significance. Last evaluated: 2025-09-17. Review status: criteria provided, single submitter. Criteria: Ambry Variant Classification Scheme 2023. Collection method: clinical testing. Allele origin: germline.
Comment: The p.L560V variant (also known as c.1678C>G), located in coding exon 1 of the TET2 gene, results from a C to G substitution at nucleotide position 1678. The leucine at codon 560 is replaced by valine, an amino acid with highly similar properties. This amino acid position is conserved. In addition, this alteration is predicted to be tolerated by in silico analysis. Based on the available evidence, the clinical significance of this variant remains unclear.

NM_001127208.3(TET2):c.1678C>G (p.Leu560Val)

Genes: TET2 (tet methylcytosine dioxygenase 2; plus strand), TET2-AS1 (TET2 antisense RNA 1; minus strand). Cytogenetic location: 4q24.
Variant type: single nucleotide variant.
Coding change: c.1678C>G on transcript NM_001127208.3 (MANE Select); coding-DNA position 1678, C replaced by G.
Protein change: p.Leu560Val; replaces leucine 560 with valine.
Molecular consequence: missense variant.
Genome position (GRCh38, 1-based): chr4:105,235,620, C>G. VCF-style: chr4-105235620-C-G. GRCh37 (hg19) VCF-style: chr4-106156777-C-G.
Other names: c.1678C>G, p.Leu560Val (NM_017628.4); short protein forms L560V.
Identifiers: ClinVar variation 4594112 (VCV004594112.1).